The following is an entry in ClinVar:

ClinVar aggregate classification (germline): Uncertain significance (1 of 4 stars; one submission).

gnomAD v4.1: 1 of 1,614,152 alleles (0.000062%); highest among the groups gnomAD compares: Non-Finnish European, 0.000085%; no homozygotes.

Submission:

Mayo Clinic Laboratories, Mayo Clinic
Classification: Uncertain significance. Last evaluated: 2025-03-31. Review status: criteria provided, single submitter. Criteria: ACMG Guidelines, 2015. Collection method: clinical testing. Allele origin: germline. Observed: 1 variant allele.
Comment: BP1, BP4_moderate, PM2_supporting

NM_152564.5(VPS13B):c.10358C>T (p.Pro3453Leu)

Gene: VPS13B (vacuolar protein sorting 13 homolog B; plus strand). Cytogenetic location: 8q22.2.
Variant type: single nucleotide variant.
Coding change: c.10358C>T on transcript NM_152564.5 (MANE Select); coding-DNA position 10358, C replaced by T.
Protein change: p.Pro3453Leu; replaces proline 3453 with leucine.
Molecular consequence: missense variant.
Genome position (GRCh38, 1-based): chr8:99,853,747, C>T. VCF-style: chr8-99853747-C-T. GRCh37 (hg19) VCF-style: chr8-100865975-C-T.
Other names: p.Pro3478Leu; c.10433C>T, p.Pro3478Leu (NM_017890.5); short protein forms P3453L, P3478L.
Identifiers: ClinVar variation 4541390 (VCV004541390.1).